The following is an entry in ClinVar:

ClinVar aggregate classification (germline): Uncertain significance. Review status: criteria provided, multiple submitters, no conflicts (2 of 4 stars). 5 submissions from 5 submitters: Uncertain significance (5). Last evaluated 2025-01-23.

Conditions:
Lynch syndrome. Identifiers: Orphanet 144, MedGen C4552100, MONDO:0005835. Disease mechanism: loss of function.
Hereditary nonpolyposis colorectal neoplasms. Identifiers: MedGen C0009405, MeSH D003123.
Hereditary cancer-predisposing syndrome. Also called: Neoplastic Syndromes, Hereditary; Tumor predisposition; Hereditary Cancer Syndrome; Hereditary neoplastic syndrome. Identifiers: Orphanet 140162, MedGen C0027672, MeSH D009386, MONDO:0015356.
Endometrial carcinoma. Also called: Endometrial carcinoma, somatic. Identifiers: MedGen C0476089, MONDO:0002447, OMIM 608089, HP:0012114.

Allele frequency attached by ClinVar (database versions not stated): gnomAD exomes below 0.00001.
gnomAD v4.1: 2 of 1,491,280 alleles (0.00013%); highest among the groups gnomAD compares: Non-Finnish European, 0.00018%; no homozygotes.

Submissions (5):

Labcorp Genetics (formerly Invitae), Labcorp
Classification: Uncertain significance for Hereditary nonpolyposis colorectal neoplasms. Last evaluated: 2025-01-23. Review status: criteria provided, single submitter. Criteria: Invitae Variant Classification Sherloc (09022015). Collection method: clinical testing. Allele origin: germline.
Comment: This sequence change replaces leucine, which is neutral and non-polar, with phenylalanine, which is neutral and non-polar, at codon 72 of the MSH6 protein (p.Leu72Phe). This variant is not present in population databases (gnomAD no frequency). This variant has not been reported in the literature in individuals affected with MSH6-related conditions. ClinVar contains an entry for this variant (Variation ID: 820799). Invitae Evidence Modeling of protein sequence and biophysical properties (such as structural, functional, and spatial information, amino acid conservation, physicochemical variation, residue mobility, and thermodynamic stability) indicates that this missense variant is not expected to disrupt MSH6 protein function with a negative predictive value of 95%. In summary, the available evidence is currently insufficient to determine the role of this variant in disease. Therefore, it has been classified as a Variant of Uncertain Significance.

All of Us Research Program, National Institutes of Health
Classification: Uncertain significance for Lynch syndrome. Last evaluated: 2024-08-06. Review status: criteria provided, single submitter. Criteria: ACMG Guidelines, 2015. Collection method: clinical testing. Allele origin: germline. Inheritance: Autosomal dominant inheritance. Observed: 1 variant allele, 1 heterozygote.
Comment: This missense variant replaces leucine with phenylalanine at codon 72 of the MSH6 protein. Computational prediction suggests that this variant may not impact protein structure and function (internally defined REVEL score threshold <= 0.5, PMID: 27666373). To our knowledge, functional studies have not been reported for this variant. This variant has not been reported in individuals affected with hereditary cancer in the literature. This variant has not been identified in the general population by the Genome Aggregation Database (gnomAD). The available evidence is insufficient to determine the role of this variant in disease conclusively. Therefore, this variant is classified as a Variant of Uncertain Significance.

This study involves interpretation of variants in research participants for the purpose of population health screening. Participant phenotype was not available at the time of variant classification. Additional details can be found in publication PMID: 35346344, PMCID: PMC8962531

Baylor Genetics
Classification: Uncertain significance for Endometrial carcinoma. Last evaluated: 2023-10-20. Review status: criteria provided, single submitter. Criteria: ACMG Guidelines, 2015. Collection method: clinical testing. Allele origin: unknown.

Ambry Genetics
Classification: Uncertain significance for Hereditary cancer-predisposing syndrome. Last evaluated: 2023-06-24. Review status: criteria provided, single submitter. Criteria: Ambry Variant Classification Scheme 2023. Collection method: clinical testing. Allele origin: germline.
Comment: The p.L72F variant (also known as c.214C>T), located in coding exon 1 of the MSH6 gene, results from a C to T substitution at nucleotide position 214. The leucine at codon 72 is replaced by phenylalanine, an amino acid with highly similar properties. This amino acid position is well conserved in available vertebrate species. In addition, this alteration is predicted to be tolerated by in silico analysis. Since supporting evidence is limited at this time, the clinical significance of this alteration remains unclear.

Color Diagnostics, LLC DBA Color Health
Classification: Uncertain significance for Hereditary cancer-predisposing syndrome. Last evaluated: 2021-03-09. Review status: criteria provided, single submitter. Criteria: ACMG Guidelines, 2015. Collection method: clinical testing. Allele origin: germline.
Comment: This missense variant replaces leucine with phenylalanine at codon 72 of the MSH6 protein. Computational prediction suggests that this variant may not impact protein structure and function (internally defined REVEL score threshold <= 0.5, PMID: 27666373). To our knowledge, functional studies have not been reported for this variant. This variant has not been reported in individuals affected with hereditary cancer in the literature. This variant has not been identified in the general population by the Genome Aggregation Database (gnomAD). The available evidence is insufficient to determine the role of this variant in disease conclusively. Therefore, this variant is classified as a Variant of Uncertain Significance.

NM_000179.3(MSH6):c.214C>T (p.Leu72Phe)

Gene: MSH6 (mutS homolog 6; plus strand). Cytogenetic location: 2p16.3.
Variant type: single nucleotide variant.
Coding change: c.214C>T on transcript NM_000179.3 (MANE Select); coding-DNA position 214, C replaced by T.
Protein change: p.Leu72Phe; replaces leucine 72 with phenylalanine.
Molecular consequence: missense variant. On other transcripts: 5 prime UTR variant (1).
Genome position (GRCh38, 1-based): chr2:47,783,447, C>T. VCF-style: chr2-47783447-C-T. GRCh37 (hg19) VCF-style: chr2-48010586-C-T.
Other names: c.214C>T, p.Leu72Phe (NM_001281492.2); c.-523C>T (NM_001281493.2); short protein forms L72F.
Identifiers: ClinVar variation 820799 (VCV000820799.16), dbSNP rs786201910, ClinGen allele CA346735070.